The following is an entry in ClinVar:

ClinVar aggregate classification (germline): Uncertain significance. Review status: criteria provided, multiple submitters, no conflicts (2 of 4 stars). 3 submissions from 3 submitters: Uncertain significance (3). Last evaluated 2025-11-05.

Conditions:
Autosomal recessive limb-girdle muscular dystrophy type 2J (LGMDR10). Also called: Limb-girdle muscular dystrophy, type 2J; MUSCULAR DYSTROPHY, LIMB-GIRDLE, AUTOSOMAL RECESSIVE 10. Identifiers: Orphanet 140922, MedGen C1837342, MONDO:0012127, OMIM 608807.
Dilated cardiomyopathy 1G (CMD1G). Identifiers: Orphanet 154, MedGen C1858763, MONDO:0011400, OMIM 604145.

Allele frequency attached by ClinVar (database versions not stated): ExAC 0.00002.
gnomAD v4.1: 3 of 1,613,746 alleles (0.00019%); highest among the groups gnomAD compares: Non-Finnish European, 0.00025%; no homozygotes.

Submissions (3):

Women's Health and Genetics/Laboratory Corporation of America, LabCorp
Classification: Uncertain significance. Last evaluated: 2025-11-05. Review status: criteria provided, single submitter. Criteria: LabCorp Variant Classification Summary - May 2015. Collection method: clinical testing. Allele origin: germline.
Comment: Variant summary: TTN NM_133378 c.94293G>C (p.Trp31431Cys), also known as NM_001267550 c.101997G>C (p.Trp33999Cys), results in a non-conservative amino acid change in the encoded protein sequence. Algorithms developed to predict the effect of missense changes on protein structure and function all suggest that this variant is likely to be disruptive. The variant allele was found at a frequency of 1.2e-05 in 248754 control chromosomes. The available data on variant occurrences in the general population are insufficient to allow any conclusion about variant significance. To our knowledge, no occurrence of c.94293G>C in individuals affected with TTN-related conditions and no experimental evidence demonstrating its impact on protein function have been reported. ClinVar contains an entry for this variant (Variation ID: 535310). Based on the evidence outlined above, the variant was classified as uncertain significance.

Revvity Omics, Revvity
Classification: Uncertain significance. Last evaluated: 2024-04-17. Review status: criteria provided, single submitter. Criteria: ACMG Guidelines, 2015. Collection method: clinical testing. Allele origin: germline.

Labcorp Genetics (formerly Invitae), Labcorp
Classification: Uncertain significance for Dilated cardiomyopathy 1G; Autosomal recessive limb-girdle muscular dystrophy type 2J. Last evaluated: 2017-11-04. Review status: criteria provided, single submitter. Criteria: Invitae Variant Classification Sherloc (09022015). Collection method: clinical testing. Allele origin: germline.

NM_001267550.2(TTN):c.101997G>C (p.Trp33999Cys)

Genes: TTN (titin; minus strand), TTN-AS1 (TTN antisense RNA 1; plus strand). Cytogenetic location: 2q31.2.
Variant type: single nucleotide variant.
Coding change: c.101997G>C on transcript NM_001267550.2 (MANE Select); coding-DNA position 101997, G replaced by C.
Protein change: p.Trp33999Cys; replaces tryptophan 33999 with cysteine.
Molecular consequence: missense variant.
Genome position (GRCh38, 1-based): chr2:178,534,618, C>G on the plus strand (G>C on the coding strand, the complement: TTN is on the minus strand). VCF-style: chr2-178534618-C-G. GRCh37 (hg19) VCF-style: chr2-179399345-C-G.
Other names: c.97074G>C, p.Trp32358Cys (NM_001256850.1); c.74802G>C, p.Trp24934Cys (NM_003319.4); c.94293G>C, p.Trp31431Cys (NM_133378.4); c.75177G>C, p.Trp25059Cys (NM_133432.3); c.75378G>C, p.Trp25126Cys (NM_133437.4); short protein forms W33999C, W24934C, W25059C, W32358C, W25126C, W31431C.
Identifiers: ClinVar variation 535310 (VCV000535310.5), dbSNP rs764821435, ClinGen allele CA1985819.